The following is an entry in ClinVar:

NM_001457.4(FLNB):c.7385T>C (p.Ile2462Thr)

Genes: FLNB (filamin B; plus strand), FLNB-AS1 (FLNB antisense RNA 1; minus strand). Cytogenetic location: 3p14.3.
Variant type: single nucleotide variant.
Coding change: c.7385T>C on transcript NM_001457.4 (MANE Select); coding-DNA position 7385, T replaced by C.
Protein change: p.Ile2462Thr; replaces isoleucine 2462 with threonine.
Molecular consequence: missense variant.
Genome position (GRCh38, 1-based): chr3:58,168,626, T>C. VCF-style: chr3-58168626-T-C. GRCh37 (hg19) VCF-style: chr3-58154353-T-C.
Other names: c.7478T>C, p.Ile2493Thr (NM_001164317.2); c.7352T>C, p.Ile2451Thr (NM_001164318.2); c.7313T>C, p.Ile2438Thr (NM_001164319.2); short protein forms I2493T, I2438T, I2451T, I2462T.
Identifiers: ClinVar variation 1414314 (VCV001414314.6), dbSNP rs1483188324, ClinGen allele CA353334999.
Genomic context (GRCh38, chr3:58,168,626, plus strand): 5'-ACACCCCCATGGCTCCTGGTAACTACCTGATCAGCGTCAAATACGGTGGGCCCAACCACA[T>C]CGTGGGCAGTCCCTTCAAGGCCAAGGTGACAGGTAACGAACAACCACCTTCGGAGTTACT-3'
Protein context (NP_001448.2, residues 2452-2472): ISVKYGGPNH[Ile2462Thr]VGSPFKAKVT

ClinVar aggregate classification (germline): Uncertain significance (1 of 4 stars; one submission).

Allele frequency attached by ClinVar (database versions not stated): gnomAD 0.00003 and 0.00004; gnomAD exomes below 0.00001 and 0.00001; TOPMed 0.00002.
gnomAD v4.1: 17 of 1,613,858 alleles (0.0011%); highest among the groups gnomAD compares: Non-Finnish European, 0.0014%; no homozygotes.

Submission:

Labcorp Genetics (formerly Invitae), Labcorp
Classification: Uncertain significance. Last evaluated: 2025-12-06. Review status: criteria provided, single submitter. Criteria: Invitae Variant Classification Sherloc (09022015). Collection method: clinical testing. Allele origin: germline.
Comment: This sequence change replaces isoleucine, which is neutral and non-polar, with threonine, which is neutral and polar, at codon 2462 of the FLNB protein (p.Ile2462Thr). This variant is present in population databases (no rsID available, gnomAD 0.0009%). This variant has not been reported in the literature in individuals affected with FLNB-related conditions. ClinVar contains an entry for this variant (Variation ID: 1414314). Invitae Evidence Modeling of protein sequence and biophysical properties (such as structural, functional, and spatial information, amino acid conservation, physicochemical variation, residue mobility, and thermodynamic stability) indicates that this missense variant is not expected to disrupt FLNB protein function with a negative predictive value of 80%. In summary, the available evidence is currently insufficient to determine the role of this variant in disease. Therefore, it has been classified as a Variant of Uncertain Significance.